The following is an entry in ClinVar:

NC_000009.11:g.(?_135802568)_(135804339_?)del

Gene: TSC1 (TSC complex subunit 1; minus strand). Cytogenetic location: 9q34.13.
Variant type: Deletion.
Identifiers: ClinVar variation 1457469 (VCV001457469.5).

ClinVar aggregate classification (germline): Pathogenic (1 of 4 stars; one submission).

Conditions:
Tuberous sclerosis 1 (TSC1). Identifiers: Orphanet 805, MedGen C1854465, MONDO:0008612, OMIM 191100.

Submission:

Labcorp Genetics (formerly Invitae), Labcorp
Classification: Pathogenic for Tuberous sclerosis 1. Last evaluated: 2022-04-15. Review status: criteria provided, single submitter. Criteria: Invitae Variant Classification Sherloc (09022015). Collection method: clinical testing. Allele origin: germline.
Comment: This variant is a gross deletion of the genomic region encompassing exon(s) 3-4 of the TSC1 gene, which includes the initiator codon. This deletion extends beyond the assayed region for this gene and therefore may encompass additional genes. It is expected to result in an absent or disrupted protein product. Loss-of-function variants in TSC1 are known to be pathogenic (PMID: 10227394, 17304050). This variant has not been reported in the literature in individuals affected with TSC1-related conditions. For these reasons, this variant has been classified as Pathogenic.

Literature cited by the submitters: PubMed 10227394; PubMed 17304050.